The following is an entry in ClinVar:

ClinVar aggregate classification (germline): Uncertain significance (1 of 4 stars; one submission).

Conditions:
Familial cancer of breast. Also called: BREAST CANCER, FAMILIAL; hereditary breast carcinoma; Hereditary breast cancer. Identifiers: Orphanet 227535, MedGen C0346153, MONDO:0016419, OMIM 114480. Disease mechanism: loss of function.
Fanconi anemia complementation group J. Also called: BRIP1-Related Fanconi Anemia. Identifiers: Orphanet 84, MedGen C1836860, MONDO:0012187, OMIM 609054.

Allele frequency attached by ClinVar (database versions not stated): gnomAD exomes below 0.00001.
gnomAD v4.1: 1 of 1,613,780 alleles (0.000062%); highest among the groups gnomAD compares: Non-Finnish European, 0.000085%; no homozygotes.

Submission:

Labcorp Genetics (formerly Invitae), Labcorp
Classification: Uncertain significance for Familial cancer of breast; Fanconi anemia complementation group J. Last evaluated: 2021-08-24. Review status: criteria provided, single submitter. Criteria: Invitae Variant Classification Sherloc (09022015). Collection method: clinical testing. Allele origin: germline.
Comment: This sequence change replaces histidine with tyrosine at codon 323 of the BRIP1 protein (p.His323Tyr). The histidine residue is weakly conserved and there is a moderate physicochemical difference between histidine and tyrosine. This variant is not present in population databases (ExAC no frequency). This variant has not been reported in the literature in individuals affected with BRIP1-related conditions. Algorithms developed to predict the effect of missense changes on protein structure and function (SIFT, PolyPhen-2, Align-GVGD) all suggest that this variant is likely to be tolerated. In summary, the available evidence is currently insufficient to determine the role of this variant in disease. Therefore, it has been classified as a Variant of Uncertain Significance.

NM_032043.3(BRIP1):c.967C>T (p.His323Tyr)

Gene: BRIP1 (BRCA1 interacting DNA helicase 1; minus strand). Cytogenetic location: 17q23.2.
Variant type: single nucleotide variant.
Coding change: c.967C>T on transcript NM_032043.3 (MANE Select); coding-DNA position 967, C replaced by T.
Protein change: p.His323Tyr; replaces histidine 323 with tyrosine.
Molecular consequence: missense variant.
Genome position (GRCh38, 1-based): chr17:61,801,426, G>A on the plus strand (C>T on the coding strand, the complement: BRIP1 is on the minus strand). VCF-style: chr17-61801426-G-A. GRCh37 (hg19) VCF-style: chr17-59878787-G-A.
Other names: short protein forms H323Y.
Identifiers: ClinVar variation 837443 (VCV000837443.8), dbSNP rs2077992477, ClinGen allele CA400484216.